The following is an entry in ClinVar:

NM_003872.3(NRP2):c.2063G>A (p.Arg688Gln)

Gene: NRP2 (neuropilin 2; plus strand). Cytogenetic location: 2q33.3.
Variant type: single nucleotide variant.
Coding change: c.2063G>A on transcript NM_003872.3 (MANE Select); coding-DNA position 2063, G replaced by A.
Protein change: p.Arg688Gln; replaces arginine 688 with glutamine.
Molecular consequence: missense variant.
Genome position (GRCh38, 1-based): chr2:205,763,692, G>A. VCF-style: chr2-205763692-G-A. GRCh37 (hg19) VCF-style: chr2-206628416-G-A.
Other names: c.2063G>A, p.Arg688Gln (NM_018534.4, NM_201266.2, NM_201267.2 and 1 more transcripts); short protein forms R688Q.
Identifiers: ClinVar variation 4122864 (VCV004122864.2).
Genomic context (GRCh38, chr2:205,763,692, plus strand): 5'-GAGTGTTTATGGAGAACCTCTGTTTGGGTTTGTTTCTGCCAGATGACAGGAATTTCTTGC[G>A]GCTGCAGAGTGACAGCCAGAGAGAGGGCCAGTATGCCCGGCTCATCAGCCCCCCTGTCCA-3'
Protein context (NP_003863.2, residues 678-698): RTFPDDRNFL[Arg688Gln]LQSDSQREGQ

ClinVar aggregate classification (germline): Uncertain significance. Review status: criteria provided, multiple submitters, no conflicts (2 of 4 stars). 2 submissions from 2 submitters: Uncertain significance (2). Last evaluated 2026-05-18.

Conditions:
NRP2-related disorder. Also called: NRP2-related condition.

gnomAD v4.1: 58 of 1,614,074 alleles (0.0036%); highest among the groups gnomAD compares: South Asian, 0.037%; 1 homozygote.

Submissions (2):

PreventionGenetics, part of Exact Sciences
Classification: Uncertain significance for NRP2-related condition. Last evaluated: 2026-05-18. Review status: criteria provided, single submitter. Criteria: ACMG Guidelines, 2015. Collection method: clinical testing. Allele origin: germline.
Comment: The NRP2 c.2063G>A variant is predicted to result in the amino acid substitution p.Arg688Gln. To our knowledge, this variant has not been reported in the literature. This variant is reported in 0.052% of alleles in individuals of South Asian descent in gnomAD. Although we suspect that this variant may be benign, at this time, the clinical significance of this variant is uncertain due to the absence of conclusive functional and genetic evidence.

Ambry Genetics
Classification: Uncertain significance. Last evaluated: 2025-06-19. Review status: criteria provided, single submitter. Criteria: Ambry Variant Classification Scheme 2023. Collection method: clinical testing. Allele origin: germline.